The following is an entry in ClinVar:

NM_001232.4(CASQ2):c.856G>T (p.Glu286Ter)

Gene: CASQ2 (calsequestrin 2; minus strand). Cytogenetic location: 1p13.1.
Variant type: single nucleotide variant.
Coding change: c.856G>T on transcript NM_001232.4 (MANE Select); coding-DNA position 856, G replaced by T.
Protein change: p.Glu286Ter; replaces glutamic acid 286 with a stop codon.
Molecular consequence: nonsense.
Genome position (GRCh38, 1-based): chr1:115,705,275, C>A on the plus strand (G>T on the coding strand, the complement: CASQ2 is on the minus strand). VCF-style: chr1-115705275-C-A. GRCh37 (hg19) VCF-style: chr1-116247896-C-A.
Other names: short protein forms E286*.
Identifiers: ClinVar variation 651334 (VCV000651334.8), dbSNP rs1471576368, ClinGen allele CA341766905.

ClinVar aggregate classification (germline): Pathogenic (1 of 4 stars; one submission).

Conditions:
Catecholaminergic polymorphic ventricular tachycardia 1. Also called: RYR2-Related Catecholaminergic Polymorphic Ventricular Tachycardia; VENTRICULAR TACHYCARDIA, STRESS-INDUCED POLYMORPHIC 1; VENTRICULAR TACHYCARDIA, CATECHOLAMINERGIC POLYMORPHIC, 1, WITH OR WITHOUT ATRIAL DYSFUNCTION AND/OR DILATED CARDIOMYOPATHY. Identifiers: Orphanet 3286, MedGen C1631597, MONDO:0011484, OMIM 604772.

Allele frequency attached by ClinVar (database versions not stated): gnomAD exomes below 0.00001.
gnomAD v4.1: 1 of 1,612,984 alleles (0.000062%); highest among the groups gnomAD compares: Admixed American, 0.0017%; no homozygotes.

Submission:

Labcorp Genetics (formerly Invitae), Labcorp
Classification: Pathogenic for Catecholaminergic polymorphic ventricular tachycardia 1. Last evaluated: 2023-12-03. Review status: criteria provided, single submitter. Criteria: Invitae Variant Classification Sherloc (09022015). Collection method: clinical testing. Allele origin: germline.
Comment: This sequence change creates a premature translational stop signal (p.Glu286*) in the CASQ2 gene. It is expected to result in an absent or disrupted protein product. Loss-of-function variants in CASQ2 are known to be pathogenic (PMID: 12386154). This variant is present in population databases (no rsID available, gnomAD 0.003%). This variant has not been reported in the literature in individuals affected with CASQ2-related conditions. ClinVar contains an entry for this variant (Variation ID: 651334). For these reasons, this variant has been classified as Pathogenic.

Literature cited by the submitters: PubMed 12386154.